The following is an entry in ClinVar:

NM_015466.4(PTPN23):c.3407dup (p.Gly1137fs)

Gene: PTPN23 (protein tyrosine phosphatase non-receptor type 23; plus strand). Cytogenetic location: 3p21.31.
Variant type: Duplication.
Coding change: c.3407dup on transcript NM_015466.4 (MANE Select); coding-DNA position 3407, one base duplicated (G; older notation c.3407dupG).
Protein change: p.Gly1137fs; shifts the reading frame from glycine 1137.
Molecular consequence: frameshift variant.
Genome position (GRCh38, 1-based): chr3:47,411,205, G duplicated; the last of 5 consecutive G bases (chr3:47,411,201-47,411,205); duplicating any one gives the same sequence. VCF-style (leftmost placement, unchanged base first): chr3-47411200-T-TG. GRCh37 (hg19) VCF-style: chr3-47452690-T-TG.
Other names: c.3029dup, p.Gly1011fs (NM_001304482.2); short protein forms G1011fs, G1137fs.
Identifiers: ClinVar variation 2995673 (VCV002995673.3), dbSNP rs752515390, ClinGen allele CA2366273.

ClinVar aggregate classification (germline): Pathogenic (1 of 4 stars; one submission).

Submission:

Labcorp Genetics (formerly Invitae), Labcorp
Classification: Pathogenic. Last evaluated: 2022-10-20. Review status: criteria provided, single submitter. Criteria: Invitae Variant Classification Sherloc (09022015). Collection method: clinical testing. Allele origin: germline.
Comment: For these reasons, this variant has been classified as Pathogenic. This variant has not been reported in the literature in individuals affected with PTPN23-related conditions. This variant is present in population databases (rs752515390, gnomAD 0.003%). This sequence change creates a premature translational stop signal (p.Gly1137Trpfs*14) in the PTPN23 gene. It is expected to result in an absent or disrupted protein product. Loss-of-function variants in PTPN23 are known to be pathogenic (PMID: 29090338, 29899372).

Literature cited by the submitters: PubMed 29090338; PubMed 29899372.